The following is an entry in ClinVar:

ClinVar aggregate classification (germline): Uncertain significance (1 of 4 stars; one submission).

Allele frequency attached by ClinVar (database versions not stated): gnomAD 0.00001; gnomAD exomes 0.00002 and 0.00005; ExAC 0.00003; TOPMed 0.00003.
gnomAD v4.1: 15 of 1,611,530 alleles (0.00093%); highest among the groups gnomAD compares: Admixed American, 0.023%; no homozygotes.

Submission:

Labcorp Genetics (formerly Invitae), Labcorp
Classification: Uncertain significance. Last evaluated: 2025-10-03. Review status: criteria provided, single submitter. Criteria: Invitae Variant Classification Sherloc (09022015). Collection method: clinical testing. Allele origin: germline.
Comment: This sequence change replaces glutamic acid, which is acidic and polar, with aspartic acid, which is acidic and polar, at codon 228 of the TOP2B protein (p.Glu228Asp). This variant is present in population databases (rs746918200, gnomAD 0.04%). This variant has not been reported in the literature in individuals affected with TOP2B-related conditions. ClinVar contains an entry for this variant (Variation ID: 1522012). An algorithm developed to predict the effect of missense changes on protein structure and function outputs the following: PolyPhen-2: "Benign". The aspartic acid amino acid residue is found in multiple mammalian species, which suggests that this missense change does not adversely affect protein function. In summary, the available evidence is currently insufficient to determine the role of this variant in disease. Therefore, it has been classified as a Variant of Uncertain Significance.

NM_001330700.2(TOP2B):c.699A>C (p.Glu233Asp)

Gene: TOP2B (DNA topoisomerase II beta; minus strand). Cytogenetic location: 3p24.2.
Variant type: single nucleotide variant.
Coding change: c.699A>C on transcript NM_001330700.2 (MANE Select); coding-DNA position 699, A replaced by C.
Protein change: p.Glu233Asp; replaces glutamic acid 233 with aspartic acid.
Molecular consequence: missense variant.
Genome position (GRCh38, 1-based): chr3:25,636,089, T>G on the plus strand (A>C on the coding strand, the complement: TOP2B is on the minus strand). VCF-style: chr3-25636089-T-G. GRCh37 (hg19) VCF-style: chr3-25677580-T-G.
Other names: c.684A>C, p.Glu228Asp (NM_001068.3); short protein forms E233D, E228D.
Identifiers: ClinVar variation 1522012 (VCV001522012.8), dbSNP rs746918200, ClinGen allele CA2288851.
Genomic context (GRCh38, chr3:25,636,089, plus strand): 5'-GTCAAGTTTTTCCATCTTAAATTTGGACAGATCTGGTTGGAATGTTATGCATGTGTAATC[T>G]TCACCATCAAAATGTTTAATTTTGGCTTCAGAAGTCTTCATCATATTATTCATCCATGTC-3'
Protein context (NP_001317629.1, residues 223-243): SEAKIKHFDG[Glu233Asp]DYTCITFQPD